The following is an entry in ClinVar:

ClinVar aggregate classification (germline): Uncertain significance (1 of 4 stars; one submission).

gnomAD v4.1: 21 of 1,542,010 alleles (0.0014%); highest among the groups gnomAD compares: Non-Finnish European, 0.0017%; no homozygotes.

Submission:

Labcorp Genetics (formerly Invitae), Labcorp
Classification: Uncertain significance. Last evaluated: 2022-06-22. Review status: criteria provided, single submitter. Criteria: Invitae Variant Classification Sherloc (09022015). Collection method: clinical testing. Allele origin: germline.
Comment: This sequence change replaces arginine, which is basic and polar, with serine, which is neutral and polar, at codon 830 of the MYO7A protein (p.Arg830Ser). The frequency data for this variant in the population databases is considered unreliable, as metrics indicate poor data quality at this position in the gnomAD database. This variant has not been reported in the literature in individuals affected with MYO7A-related conditions. Advanced modeling of protein sequence and biophysical properties (such as structural, functional, and spatial information, amino acid conservation, physicochemical variation, residue mobility, and thermodynamic stability) performed at Invitae indicates that this missense variant is expected to disrupt MYO7A protein function. Algorithms developed to predict the effect of sequence changes on RNA splicing suggest that this variant may create or strengthen a splice site. In summary, the available evidence is currently insufficient to determine the role of this variant in disease. Therefore, it has been classified as a Variant of Uncertain Significance.

NM_000260.4(MYO7A):c.2488C>A (p.Arg830Ser)

Gene: MYO7A (myosin VIIA; plus strand). Cytogenetic location: 11q13.5.
Variant type: single nucleotide variant.
Coding change: c.2488C>A on transcript NM_000260.4 (MANE Select); coding-DNA position 2488, C replaced by A.
Protein change: p.Arg830Ser; replaces arginine 830 with serine.
Molecular consequence: missense variant.
Genome position (GRCh38, 1-based): chr11:77,179,855, C>A. VCF-style: chr11-77179855-C-A. GRCh37 (hg19) VCF-style: chr11-76890901-C-A.
Other names: c.2488C>A, p.Arg830Ser (NM_001127180.2); c.2455C>A, p.Arg819Ser (NM_001369365.1); short protein forms R819S, R830S.
Identifiers: ClinVar variation 2148879 (VCV002148879.1), dbSNP rs797044493, ClinGen allele CA381941777.